The following is an entry in ClinVar:

NM_144672.4(OTOA):c.1879C>T (p.Pro627Ser)

Gene: OTOA (otoancorin). Cytogenetic location: 16p12.2.
Variant type: single nucleotide variant.
Coding change: c.1879C>T on transcript NM_144672.4 (MANE Select); coding-DNA position 1879, C replaced by T.
Protein change: p.Pro627Ser; replaces proline 627 with serine.
Molecular consequence: missense variant.
Genome position (GRCh38, 1-based): chr16:21,722,977, C>T. VCF-style: chr16-21722977-C-T. GRCh37 (hg19) VCF-style: chr16-21734298-C-T.
Other names: c.1642C>T, p.Pro548Ser (NM_001161683.2); c.907C>T, p.Pro303Ser (NM_170664.3); short protein forms P627S, P548S, P303S.
Identifiers: ClinVar variation 100655 (VCV000100655.9), dbSNP rs587777133, ClinGen allele CA267578.
Genomic context (GRCh38, chr16:21,722,977, plus strand): 5'-GCGTGGAAATACTGGGAAGTTTCCAGATTGTCTATGCCACCTTTCCTCTTGGCTGCACTC[C>T]CGTAAGTGAACATCAGCCCCCACCTTCTGGCTCATCAGTGAGATCGGTGGGAATCACTGA-3'
Protein context (NP_653273.3, residues 617-637): SMPPFLLAAL[Pro627Ser]ARYLASVPAS

ClinVar aggregate classification (germline): Conflicting classifications of pathogenicity. Review status: criteria provided, conflicting classifications (1 of 4 stars). 5 submissions from 5 submitters: Pathogenic (3); Uncertain significance (1). 1 of the submissions does not count toward it. Last evaluated 2025-12-09.

Conditions:
Autosomal recessive nonsyndromic hearing loss 22. Identifiers: Orphanet 90636, MedGen C1846896, MONDO:0011762, OMIM 607039.

Allele frequency attached by ClinVar (database versions not stated): gnomAD exomes 0.00001 and 0.00004; ExAC 0.00003.
gnomAD v4.1: 19 of 1,614,030 alleles (0.0012%); highest among the groups gnomAD compares: South Asian, 0.018%; no homozygotes.

Submissions (5):

Genetics Research Center, University of Social Welfare and Rehabilitation Sciences
Classification: Pathogenic for Autosomal recessive nonsyndromic hearing loss 22. Last evaluated: 2025-12-09. Review status: criteria provided, single submitter. Criteria: ACMG Guidelines, 2015. Collection method: research. Allele origin: germline. Affected: yes.
Comment: The variant is present at a very low frequency in the gnomAD v2.1.1 dataset (allele frequency: 0.004%) and has been reported in individual(s) affected with OTOA-related hearing loss (PMID:23173898, 31527525). Another missense variant in the same codon, p.Pro627Arg, has also been reported in patient(s) with recessive sensorineural hearing loss (PMID:2317389).

Labcorp Genetics (formerly Invitae), Labcorp
Classification: Pathogenic. Last evaluated: 2024-01-18. Review status: criteria provided, single submitter. Criteria: Invitae Variant Classification Sherloc (09022015). Collection method: clinical testing. Allele origin: germline.
Comment: This sequence change replaces proline, which is neutral and non-polar, with serine, which is neutral and polar, at codon 627 of the OTOA protein (p.Pro627Ser). This variant is present in population databases (rs587777133, gnomAD 0.03%). This missense change has been observed in individuals with deafness (PMID: 23173898). It has also been observed to segregate with disease in related individuals. ClinVar contains an entry for this variant (Variation ID: 100655). An algorithm developed to predict the effect of missense changes on protein structure and function (PolyPhen-2) suggests that this variant is likely to be disruptive. For these reasons, this variant has been classified as Pathogenic.

Payam Genetics Center, General Welfare Department of North Khorasan Province
Classification: Pathogenic for Autosomal recessive nonsyndromic hearing loss 22. Last evaluated: 2023-03-01. Review status: criteria provided, single submitter. Criteria: ACMG Guidelines, 2015. Collection method: clinical testing. Allele origin: germline. Affected: yes. Observed: 1 variant allele.
Comment: The OTOA c.1879C>T (p.Pro627Ser) is a missens mutation and results at the protein level is a disfunctional or truncated protein, predicted lead to disease.This variant is not present in Iranian population databases. This variant as Pathogenic according to the ACMG classification.

(p.Pro627Ser)

GeneDx
Classification: Uncertain significance. Last evaluated: 2022-03-10. Review status: criteria provided, single submitter. Criteria: GeneDx Variant Classification Process June 2021. Collection method: clinical testing. Allele origin: germline. Affected: yes.
Comment: In silico analysis supports that this missense variant has a deleterious effect on protein structure/function; This variant is associated with the following publications: (PMID: 23173898, 24963352, 31527525)

OMIM
Classification: Pathogenic for DEAFNESS, AUTOSOMAL RECESSIVE 22. Last evaluated: 2013-09-01. Review status: no assertion criteria provided. Collection method: literature only. Allele origin: germline. Not counted in ClinVar's aggregate classification.

Literature cited by the submitters: PubMed 23173898 (cited by 3 submitters); PubMed 24963352 (cited by Genetics Research Center, University of Social Welfare and Rehabilitation Sciences); PubMed 31527525 (cited by Genetics Research Center, University of Social Welfare and Rehabilitation Sciences).